The following is an entry in ClinVar:

NM_000081.4(LYST):c.2844C>T (p.Ser948=)

Gene: LYST (lysosomal trafficking regulator; minus strand). Cytogenetic location: 1q42.3.
Variant type: single nucleotide variant.
Coding change: c.2844C>T on transcript NM_000081.4 (MANE Select); coding-DNA position 2844, C replaced by T.
Protein change: p.Ser948=; no amino-acid change (serine 948 retained).
Molecular consequence: synonymous variant.
Genome position (GRCh38, 1-based): chr1:235,806,292, G>A on the plus strand (C>T on the coding strand, the complement: LYST is on the minus strand). VCF-style: chr1-235806292-G-A. GRCh37 (hg19) VCF-style: chr1-235969592-G-A.
Other names: c.2844C>T, p.Ser948= (NM_001301365.1).
Identifiers: ClinVar variation 2121864 (VCV002121864.6), dbSNP rs767380219, ClinGen allele CA424027439.
Genomic context (GRCh38, chr1:235,806,292, plus strand): 5'-ACGACACATAGACCAAATGTCTGCTGCTTGGTGCATATGTTCAGGAGAAGGCAAGACAAG[G>A]CTCTCGAGAGATATACATGGCAGCATATGACTTAAAGGCTCGCTGGCTGTGCTGTCATAG-3'
Protein context (NP_000072.2, residues 938-958): SHMLPCISLE[Ser948=]LVLPSPEHMH

ClinVar aggregate classification (germline): Likely benign. Review status: criteria provided, single submitter (1 of 4 stars). 2 submissions from 2 submitters: Likely benign (1). 1 of the submissions does not count toward it. Last evaluated 2024-03-02.

Conditions:
Chédiak-Higashi syndrome (CHS). Also called: Chediak-Higashi Syndrome. Identifiers: Orphanet 167, MedGen C0007965, MONDO:0008963, OMIM 214500.
LYST-related disorder. Also called: LYST-related condition.

gnomAD v4.1: 2 of 1,613,966 alleles (0.00012%); highest among the groups gnomAD compares: Middle Eastern, 0.017%; no homozygotes.

Submissions (2):

Labcorp Genetics (formerly Invitae), Labcorp
Classification: Likely benign for Chédiak-Higashi syndrome. Last evaluated: 2024-03-02. Review status: criteria provided, single submitter. Criteria: Invitae Variant Classification Sherloc (09022015). Collection method: clinical testing. Allele origin: germline.

PreventionGenetics, part of Exact Sciences
Classification: Likely benign for LYST-related condition. Last evaluated: 2019-02-20. Review status: no assertion criteria provided. Collection method: clinical testing. Allele origin: germline. Not counted in ClinVar's aggregate classification.
Comment: This variant is classified as likely benign based on ACMG/AMP sequence variant interpretation guidelines (Richards et al. 2015 PMID: 25741868, with internal and published modifications).